The following is an entry in ClinVar:

NM_000393.5(COL5A2):c.463C>T (p.Arg155Cys)

Gene: COL5A2 (collagen type V alpha 2 chain; minus strand). Cytogenetic location: 2q32.2.
Variant type: single nucleotide variant.
Coding change: c.463C>T on transcript NM_000393.5 (MANE Select); coding-DNA position 463, C replaced by T.
Protein change: p.Arg155Cys; replaces arginine 155 with cysteine.
Molecular consequence: missense variant.
Genome position (GRCh38, 1-based): chr2:189,092,414, G>A on the plus strand (C>T on the coding strand, the complement: COL5A2 is on the minus strand). VCF-style: chr2-189092414-G-A. GRCh37 (hg19) VCF-style: chr2-189957140-G-A.
Other names: short protein forms R155C.
Identifiers: ClinVar variation 222528 (VCV000222528.17), dbSNP rs767252151, ClinGen allele CA353678.
Genomic context (GRCh38, chr2:189,092,414, plus strand): 5'-GTCCTGGAGCACCAGGTTGACCAGGAACACCTGGTTCTCCATCAATTCCCTGAGGTCCAC[G>A]AGGGCCCTGGAAAACAAGCCAGTTAAAATTAGAACCCACTGCCAAATATACACTTAGTAG-3'
Protein context (NP_000384.2, residues 145-165): ERGPKGRPGP[Arg155Cys]GPQGIDGEPG

ClinVar aggregate classification (germline): Conflicting classifications of pathogenicity. Review status: criteria provided, conflicting classifications (1 of 4 stars). 5 submissions from 5 submitters: Uncertain significance (4); Likely benign (1). Last evaluated 2026-04-01.

Conditions:
Ehlers-Danlos syndrome, classic type, 1 (EDSCL1). Also called: Ehlers-Danlos syndrome, type 1; Ehlers-Danlos Syndrome, Classic Type, COL5A1-Related; EDS I; EHLERS-DANLOS SYNDROME, GRAVIS TYPE; EHLERS-DANLOS SYNDROME, SEVERE CLASSIC TYPE. Identifiers: MedGen C0268335, MONDO:0019567, OMIM 130000.
Ehlers-Danlos syndrome, classic type, 2 (EDSCL2). Also called: Ehlers-Danlos syndrome, type 2; Ehlers-Danlos Syndrome, Classic Type, COL5A2-Related; Ehlers-Danlos syndrome type 2 (formerly). Identifiers: Orphanet 287, Orphanet 90318, MedGen C0268336, MONDO:0019568, OMIM 130010.
Familial thoracic aortic aneurysm and aortic dissection (TAAD). Also called: Thoracic aortic aneurysms and dissections. Identifiers: Orphanet 91387, MedGen C4707243, MONDO:0019625.

Allele frequency attached by ClinVar (database versions not stated): ExAC 0.00002; gnomAD 0.00003; gnomAD exomes 0.00003; TOPMed 0.00003.
gnomAD v4.1: 79 of 1,588,074 alleles (0.005%); highest among the groups gnomAD compares: Middle Eastern, 0.033%; no homozygotes.

Submissions (5):

CeGaT Center for Human Genetics Tuebingen
Classification: Uncertain significance. Last evaluated: 2026-04-01. Review status: criteria provided, single submitter. Criteria: CeGaT Center For Human Genetics Tuebingen Variant Classification Criteria Version 2. Collection method: clinical testing. Allele origin: germline. Affected: yes. Observed: 1 variant allele.

Labcorp Genetics (formerly Invitae), Labcorp
Classification: Likely benign for Ehlers-Danlos syndrome, classic type, 1. Last evaluated: 2025-12-23. Review status: criteria provided, single submitter. Criteria: Invitae Variant Classification Sherloc (09022015). Collection method: clinical testing. Allele origin: germline.

Blueprint Genetics
Classification: Uncertain significance. Last evaluated: 2024-07-16. Review status: criteria provided, single submitter. Criteria: ACMG Guidelines, 2015. Collection method: clinical testing. Allele origin: germline.

Ambry Genetics
Classification: Uncertain significance for Familial thoracic aortic aneurysm and aortic dissection. Last evaluated: 2020-06-04. Review status: criteria provided, single submitter. Criteria: Ambry Variant Classification Scheme 2023. Collection method: clinical testing. Allele origin: germline.
Comment: The p.R155C variant (also known as c.463C>T), located in coding exon 7 of the COL5A2 gene, results from a C to T substitution at nucleotide position 463. The arginine at codon 155 is replaced by cysteine, an amino acid with highly dissimilar properties. This alteration has been reported in a premature aging cohort (Grelet M et al. Orphanet J Rare Dis, 2019 12;14:288). This amino acid position is highly conserved in available vertebrate species. In addition, this alteration is predicted to be deleterious by in silico analysis. Since supporting evidence is limited at this time, the clinical significance of this alteration remains unclear.

Institute of Human Genetics, University of Leipzig Medical Center
Classification: Uncertain significance for Ehlers-Danlos syndrome, classic type, 2. Last evaluated: 2019-01-01. Review status: criteria provided, single submitter. Criteria: ACMG Guidelines, 2015. Collection method: clinical testing. Allele origin: unknown. Affected: yes.

Literature cited by the submitters: PubMed 31829210 (cited by Ambry Genetics).